The following is an entry in ClinVar:

NM_001037.5(SCN1B):c.207+55G>A

Gene: SCN1B (sodium voltage-gated channel beta subunit 1; plus strand). Cytogenetic location: 19q13.11.
Variant type: single nucleotide variant.
Coding change: c.207+55G>A on transcript NM_001037.5 (MANE Select); 55 bases into the intron after coding-DNA position 207, G replaced by A.
Molecular consequence: intron variant.
Genome position (GRCh38, 1-based): chr19:35,032,749, G>A. VCF-style: chr19-35032749-G-A. GRCh37 (hg19) VCF-style: chr19-35523653-G-A.
Other names: c.207+55G>A (NM_199037.5); c.108+55G>A (NM_001321605.2).
Identifiers: ClinVar variation 675888 (VCV000675888.2), dbSNP rs147990128, ClinGen allele CA307703407.

ClinVar aggregate classification (germline): Likely benign. Review status: criteria provided, multiple submitters, no conflicts (2 of 4 stars). 2 submissions from 2 submitters: Likely benign (2). Last evaluated 2018-06-14.

Allele frequency attached by ClinVar (database versions not stated): 1000 Genomes Project 30x 0.00125; 1000 Genomes Project 0.00140; TOPMed 0.00162; gnomAD exomes 0.00233; gnomAD 0.00249 and 0.00262.
gnomAD v4.1: 3,758 of 1,583,814 alleles (0.24%); highest among the groups gnomAD compares: Non-Finnish European, 0.19%; 20 homozygotes.

Submissions (2):

GeneDx
Classification: Likely benign. Last evaluated: 2018-06-14. Review status: criteria provided, single submitter. Criteria: GeneDx Variant Classification (06012015). Collection method: clinical testing. Allele origin: germline. Affected: yes.
Comment: This variant is considered likely benign or benign based on one or more of the following criteria: it is a conservative change, it occurs at a poorly conserved position in the protein, it is predicted to be benign by multiple in silico algorithms, and/or has population frequency not consistent with disease.

Breakthrough Genomics
Classification: Likely benign. Review status: criteria provided, single submitter. Criteria: ACMG Guidelines, 2015. Collection method: not provided. Allele origin: germline. Inheritance: Autosomal recessive inheritance. Affected: yes.